The following is an entry in ClinVar:

NM_015087.5(SPART):c.1610G>A (p.Gly537Asp)

Gene: SPART (spartin; minus strand). Cytogenetic location: 13q13.3.
Variant type: single nucleotide variant.
Coding change: c.1610G>A on transcript NM_015087.5 (MANE Select); coding-DNA position 1610, G replaced by A.
Protein change: p.Gly537Asp; replaces glycine 537 with aspartic acid.
Molecular consequence: missense variant.
Genome position (GRCh38, 1-based): chr13:36,312,351, C>T on the plus strand (G>A on the coding strand, the complement: SPART is on the minus strand). VCF-style: chr13-36312351-C-T. GRCh37 (hg19) VCF-style: chr13-36886488-C-T.
Other names: c.1610G>A, p.Gly537Asp (NM_001142294.2, NM_001142295.2, NM_001142296.2); short protein forms G537D.
Identifiers: ClinVar variation 1982228 (VCV001982228.4), dbSNP rs775862718, ClinGen allele CA6949349.

ClinVar aggregate classification (germline): Uncertain significance (1 of 4 stars; one submission).

Allele frequency attached by ClinVar (database versions not stated): TOPMed 0.00001; ExAC 0.00002; gnomAD exomes 0.00002.
gnomAD v4.1: 9 of 1,614,074 alleles (0.00056%); highest among the groups gnomAD compares: Admixed American, 0.015%; no homozygotes.

Submission:

Labcorp Genetics (formerly Invitae), Labcorp
Classification: Uncertain significance. Last evaluated: 2022-08-23. Review status: criteria provided, single submitter. Criteria: Invitae Variant Classification Sherloc (09022015). Collection method: clinical testing. Allele origin: germline.
Comment: This sequence change replaces glycine, which is neutral and non-polar, with aspartic acid, which is acidic and polar, at codon 537 of the SPART protein (p.Gly537Asp). This variant is present in population databases (rs775862718, gnomAD 0.03%). In summary, the available evidence is currently insufficient to determine the role of this variant in disease. Therefore, it has been classified as a Variant of Uncertain Significance. Algorithms developed to predict the effect of missense changes on protein structure and function are either unavailable or do not agree on the potential impact of this missense change (SIFT: "Deleterious"; PolyPhen-2: "Possibly Damaging"; Align-GVGD: "Class C0"). This variant has not been reported in the literature in individuals affected with SPART-related conditions.